The following is an entry in ClinVar:

NM_001286577.2(C2CD3):c.1528G>A (p.Val510Ile)

Gene: C2CD3 (C2 domain containing 3 centriole elongation regulator; minus strand). Cytogenetic location: 11q13.4.
Variant type: single nucleotide variant.
Coding change: c.1528G>A on transcript NM_001286577.2 (MANE Select); coding-DNA position 1528, G replaced by A.
Protein change: p.Val510Ile; replaces valine 510 with isoleucine.
Molecular consequence: missense variant.
Genome position (GRCh38, 1-based): chr11:74,114,586, C>T on the plus strand (G>A on the coding strand, the complement: C2CD3 is on the minus strand). VCF-style: chr11-74114586-C-T. GRCh37 (hg19) VCF-style: chr11-73825631-C-T.
Other names: c.1528G>A, p.Val510Ile (NM_015531.6); short protein forms V510I.
Identifiers: ClinVar variation 1929427 (VCV001929427.5), dbSNP rs1334794713, ClinGen allele CA381837376.
Genomic context (GRCh38, chr11:74,114,586, plus strand): 5'-CCACACTTAGTGTCATCGTTTGGGCATCTTCTGGAGTTTCTGAGAGCATCTGTTGTTCAA[C>T]CAAATTTCTGAAAGGAGTTCACACAAGCAGTGAGGCATACTGCTACAGGCTTCACATGAA-3'
Protein context (NP_001273506.1, residues 500-520): RSAGKRNRNL[Val510Ile]EQQMLSETPE

ClinVar aggregate classification (germline): Uncertain significance (1 of 4 stars; one submission).

Allele frequency attached by ClinVar (database versions not stated): gnomAD exomes below 0.00001.
gnomAD v4.1: 4 of 1,612,554 alleles (0.00025%); highest among the groups gnomAD compares: Middle Eastern, 0.017%; no homozygotes.

Submission:

Labcorp Genetics (formerly Invitae), Labcorp
Classification: Uncertain significance. Last evaluated: 2023-12-11. Review status: criteria provided, single submitter. Criteria: Invitae Variant Classification Sherloc (09022015). Collection method: clinical testing. Allele origin: germline.
Comment: This sequence change replaces valine, which is neutral and non-polar, with isoleucine, which is neutral and non-polar, at codon 510 of the C2CD3 protein (p.Val510Ile). This variant is present in population databases (no rsID available, gnomAD 0.0009%). This missense change has been observed in individual(s) with C2CD3-related conditions (PMID: 31130284). ClinVar contains an entry for this variant (Variation ID: 1929427). Advanced modeling of protein sequence and biophysical properties (such as structural, functional, and spatial information, amino acid conservation, physicochemical variation, residue mobility, and thermodynamic stability) performed at Invitae indicates that this missense variant is not expected to disrupt C2CD3 protein function with a negative predictive value of 80%. In summary, the available evidence is currently insufficient to determine the role of this variant in disease. Therefore, it has been classified as a Variant of Uncertain Significance.

Literature cited by the submitters: PubMed 31130284.